The following is an entry in ClinVar:

NM_007294.4(BRCA1):c.4324del (p.Leu1442fs)

Gene: BRCA1 (BRCA1 DNA repair associated; minus strand). Cytogenetic location: 17q21.31.
Variant type: Deletion.
Coding change: c.4324del on transcript NM_007294.4 (MANE Select); coding-DNA position 4324, one base deleted (C; older notation c.4324delC).
Protein change: p.Leu1442fs; shifts the reading frame from leucine 1442.
Molecular consequence: frameshift variant.
Genome position (GRCh38, 1-based): chr17:43,082,437, G deleted on the plus strand (C on the coding strand, the reverse complement: BRCA1 is on the minus strand); the first of 2 consecutive G bases (chr17:43,082,437-43,082,438); deleting either gives the same sequence. VCF-style (leftmost placement, unchanged base first): chr17-43082436-AG-A. GRCh37 (hg19) VCF-style: chr17-41234453-AG-A.
Other names: c.3436del, p.Leu1146fs (NM_001407967.1, NM_001407966.1); c.1720del, p.Leu574fs (NM_001407968.1); c.1717del, p.Leu573fs (NM_001407969.1); c.1015del, p.Leu339fs (NM_001407970.1, NM_001407971.1, NM_001407973.1 and 8 more transcripts); c.1012del, p.Leu338fs (NM_001407972.1, NM_001407979.1, NM_001407980.1 and 18 more transcripts); c.1009del, p.Leu337fs (NM_001408400.1, NM_001408401.1, NM_001408402.1 and 1 more transcripts); c.1006del, p.Leu336fs (NM_001408406.1, NM_001408408.1); c.937del, p.Leu313fs (NM_001408409.1, NM_001408411.1, NM_001408412.1 and 2 more transcripts); and 51 more; short protein forms L1146fs, L1329fs, L1353fs, L1375fs, L1399fs, L1438fs, L1440fs, L1442fs.
Identifiers: ClinVar variation 4731172 (VCV004731172.1).
Genomic context (GRCh38, chr17:43,082,436, plus strand): 5'-ATATCAGTGTTTGGCCAACAATACACACCTTTTTCTGATGTGCTTTGTTCTGGATTTCGC[AG>A]GTCCTCAAGGGCAGAAGAGTCACTTATGATGGAAGGGTAGCTGTTAGAAGGCTGGCTCCC-3'

ClinVar aggregate classification (germline): Pathogenic (1 of 4 stars; one submission).

Conditions:
Hereditary breast ovarian cancer syndrome. Also called: Hereditary breast and/or ovarian cancer syndrome; Hereditary breast and ovarian cancer syndrome; Breast and ovarian cancer; Hereditary breast and ovarian cancer syndrome (HBOC); BRCA1- and BRCA2-Associated Hereditary Breast and Ovarian Cancer; Hereditary breast and ovarian cancer. Identifiers: Orphanet 145, MedGen C0677776, MeSH D061325, MONDO:0003582. Disease mechanism: loss of function.

Submission:

Labcorp Genetics (formerly Invitae), Labcorp
Classification: Pathogenic for Hereditary breast ovarian cancer syndrome. Last evaluated: 2025-11-13. Review status: criteria provided, single submitter. Criteria: Invitae Variant Classification Sherloc (09022015). Collection method: clinical testing. Allele origin: germline.
Comment: This sequence change creates a premature translational stop signal (p.Leu1442Cysfs*14) in the BRCA1 gene. It is expected to result in an absent or disrupted protein product. Loss-of-function variants in BRCA1 are known to be pathogenic (PMID: 20104584). This variant is not present in population databases (gnomAD no frequency). This variant has not been reported in the literature in individuals affected with BRCA1-related conditions. For these reasons, this variant has been classified as Pathogenic.

Literature cited by the submitters: PubMed 20104584.